The following is an entry in ClinVar:

NM_005546.4(ITK):c.1232T>C (p.Met411Thr)

Gene: ITK (IL2 inducible T cell kinase; plus strand). Cytogenetic location: 5q33.3.
Variant type: single nucleotide variant.
Coding change: c.1232T>C on transcript NM_005546.4 (MANE Select); coding-DNA position 1232, T replaced by C.
Protein change: p.Met411Thr; replaces methionine 411 with threonine.
Molecular consequence: missense variant.
Genome position (GRCh38, 1-based): chr5:157,243,794, T>C. VCF-style: chr5-157243794-T-C. GRCh37 (hg19) VCF-style: chr5-156670804-T-C.
Other names: short protein forms M411T.
Identifiers: ClinVar variation 4764820 (VCV004764820.1).

ClinVar aggregate classification (germline): Uncertain significance (1 of 4 stars; one submission).

Conditions:
Lymphoproliferative syndrome 1 (LPFS1). Identifiers: Orphanet 238505, Orphanet 538963, MedGen C3552634, MONDO:0013081, OMIM 613011.

gnomAD v4.1: 3 of 1,613,674 alleles (0.00019%); highest among the groups gnomAD compares: African/African-American, 0.0013%; no homozygotes.

Submission:

Labcorp Genetics (formerly Invitae), Labcorp
Classification: Uncertain significance for Lymphoproliferative syndrome 1. Last evaluated: 2025-12-24. Review status: criteria provided, single submitter. Criteria: Invitae Variant Classification Sherloc (09022015). Collection method: clinical testing. Allele origin: germline.
Comment: This sequence change replaces methionine, which is neutral and non-polar, with threonine, which is neutral and polar, at codon 411 of the ITK protein (p.Met411Thr). This variant is not present in population databases (gnomAD no frequency). This variant has not been reported in the literature in individuals affected with ITK-related conditions. An algorithm developed to predict the effect of missense changes on protein structure and function (PolyPhen-2) suggests that this variant is likely to be disruptive. In summary, the available evidence is currently insufficient to determine the role of this variant in disease. Therefore, it has been classified as a Variant of Uncertain Significance.